The following is an entry in ClinVar:

NM_054027.6(ANKH):c.1176G>A (p.Met392Ile)

Genes: ANKH (ANKH inorganic pyrophosphate transport regulator; minus strand), OTULIN (OTU deubiquitinase with linear linkage specificity; plus strand), LOC100130744 (uncharacterized LOC100130744; plus strand). Cytogenetic location: 5p15.2.
Variant type: single nucleotide variant.
Coding change: c.1176G>A on transcript NM_054027.6 (MANE Select); coding-DNA position 1176, G replaced by A.
Protein change: p.Met392Ile; replaces methionine 392 with isoleucine.
Molecular consequence: missense variant. On other transcripts: non-coding transcript variant (1).
Genome position (GRCh38, 1-based): chr5:14,713,633, C>T on the plus strand (G>A on the coding strand, the complement: ANKH is on the minus strand). VCF-style: chr5-14713633-C-T. GRCh37 (hg19) VCF-style: chr5-14713742-C-T.
Other names: short protein forms M392I.
Identifiers: ClinVar variation 3606595 (VCV003606595.2).

ClinVar aggregate classification (germline): Uncertain significance (1 of 4 stars; one submission).

gnomAD v4.1: 1 of 1,614,220 alleles (0.000062%); highest among the groups gnomAD compares: Non-Finnish European, 0.000085%; no homozygotes.

Submission:

Labcorp Genetics (formerly Invitae), Labcorp
Classification: Uncertain significance. Last evaluated: 2025-08-04. Review status: criteria provided, single submitter. Criteria: Invitae Variant Classification Sherloc (09022015). Collection method: clinical testing. Allele origin: germline.
Comment: This sequence change replaces methionine, which is neutral and non-polar, with isoleucine, which is neutral and non-polar, at codon 392 of the ANKH protein (p.Met392Ile). This variant is present in population databases (no rsID available, gnomAD 0.0009%). This variant has not been reported in the literature in individuals affected with ANKH-related conditions. ClinVar contains an entry for this variant (Variation ID: 3606595). Invitae Evidence Modeling of protein sequence and biophysical properties (such as structural, functional, and spatial information, amino acid conservation, physicochemical variation, residue mobility, and thermodynamic stability) indicates that this missense variant is not expected to disrupt ANKH protein function with a negative predictive value of 80%. In summary, the available evidence is currently insufficient to determine the role of this variant in disease. Therefore, it has been classified as a Variant of Uncertain Significance.